The following is an entry in ClinVar:

NM_001267550.2(TTN):c.39987C>T (p.Pro13329=)

Gene: TTN (titin; minus strand). Cytogenetic location: 2q31.2.
Variant type: single nucleotide variant.
Coding change: c.39987C>T on transcript NM_001267550.2 (MANE Select); coding-DNA position 39987, C replaced by T.
Protein change: p.Pro13329=; no amino-acid change (proline 13329 retained).
Molecular consequence: synonymous variant. On other transcripts: intron variant (5).
Genome position (GRCh38, 1-based): chr2:178,649,318, G>A on the plus strand (C>T on the coding strand, the complement: TTN is on the minus strand). VCF-style: chr2-178649318-G-A. GRCh37 (hg19) VCF-style: chr2-179514045-G-A.
Other names: c.13283-7001C>T (NM_003319.4); c.13859-7001C>T (NM_133437.4); c.13658-7001C>T (NM_133432.3); c.32593+499C>T (NM_133378.4); c.35374+499C>T (NM_001256850.1).
Identifiers: ClinVar variation 5000194 (VCV005000194.1).

ClinVar aggregate classification (germline): Likely benign (1 of 4 stars; one submission).

Conditions:
TTN-related disorder. Also called: TTN-related disorders; TTN-related condition; TTN-related disease.

Submission:

PreventionGenetics, part of Exact Sciences
Classification: Likely benign for TTN-related condition. Last evaluated: 2025-04-12. Review status: criteria provided, single submitter. Criteria: ACMG Guidelines, 2015. Collection method: clinical testing. Allele origin: germline.
Comment: This variant is classified as likely benign based on ACMG/AMP sequence variant interpretation guidelines (Richards et al. 2015 PMID: 25741868, with internal and published modifications).